The following is an entry in ClinVar:

ClinVar aggregate classification (germline): Uncertain significance (1 of 4 stars; one submission).

gnomAD v4.1: 2 of 1,614,080 alleles (0.00012%); highest among the groups gnomAD compares: Non-Finnish European, 0.00017%; no homozygotes.

Submission:

Labcorp Genetics (formerly Invitae), Labcorp
Classification: Uncertain significance. Last evaluated: 2022-07-25. Review status: criteria provided, single submitter. Criteria: Invitae Variant Classification Sherloc (09022015). Collection method: clinical testing. Allele origin: germline.
Comment: This variant has not been reported in the literature in individuals affected with MYO1E-related conditions. In summary, the available evidence is currently insufficient to determine the role of this variant in disease. Therefore, it has been classified as a Variant of Uncertain Significance. Algorithms developed to predict the effect of missense changes on protein structure and function are either unavailable or do not agree on the potential impact of this missense change (SIFT: "Tolerated"; PolyPhen-2: "Possibly Damaging"; Align-GVGD: "Class C0"). ClinVar contains an entry for this variant (Variation ID: 1516925). This variant is present in population databases (no rsID available, gnomAD 0.0009%). This sequence change replaces alanine, which is neutral and non-polar, with serine, which is neutral and polar, at codon 261 of the MYO1E protein (p.Ala261Ser).

NM_004998.4(MYO1E):c.781G>T (p.Ala261Ser)

Gene: MYO1E (myosin IE; minus strand). Cytogenetic location: 15q22.2.
Variant type: single nucleotide variant.
Coding change: c.781G>T on transcript NM_004998.4 (MANE Select); coding-DNA position 781, G replaced by T.
Protein change: p.Ala261Ser; replaces alanine 261 with serine.
Molecular consequence: missense variant.
Genome position (GRCh38, 1-based): chr15:59,223,188, C>A on the plus strand (G>T on the coding strand, the complement: MYO1E is on the minus strand). VCF-style: chr15-59223188-C-A. GRCh37 (hg19) VCF-style: chr15-59515387-C-A.
Other names: short protein forms A261S.
Identifiers: ClinVar variation 1516925 (VCV001516925.8), dbSNP rs1393755130, ClinGen allele CA392642668.